The following is an entry in ClinVar:

NM_005245.4(FAT1):c.6929C>G (p.Ser2310Cys)

Gene: FAT1 (FAT atypical cadherin 1; minus strand). Cytogenetic location: 4q35.2.
Variant type: single nucleotide variant.
Coding change: c.6929C>G on transcript NM_005245.4 (MANE Select); coding-DNA position 6929, C replaced by G.
Protein change: p.Ser2310Cys; replaces serine 2310 with cysteine.
Molecular consequence: missense variant.
Genome position (GRCh38, 1-based): chr4:186,619,657, G>C on the plus strand (C>G on the coding strand, the complement: FAT1 is on the minus strand). VCF-style: chr4-186619657-G-C. GRCh37 (hg19) VCF-style: chr4-187540811-G-C.
Other names: c.6929C>G, p.Ser2310Cys (NM_001440455.1, NM_001440456.1, NM_001440457.1); short protein forms S2310C.
Identifiers: ClinVar variation 4694417 (VCV004694417.1).

ClinVar aggregate classification (germline): Uncertain significance (1 of 4 stars; one submission).

gnomAD v4.1: 6 of 1,613,864 alleles (0.00037%); highest among the groups gnomAD compares: East Asian, 0.013%; no homozygotes.

Submission:

Labcorp Genetics (formerly Invitae), Labcorp
Classification: Uncertain significance. Last evaluated: 2025-08-26. Review status: criteria provided, single submitter. Criteria: Invitae Variant Classification Sherloc (09022015). Collection method: clinical testing. Allele origin: germline.
Comment: This sequence change replaces serine, which is neutral and polar, with cysteine, which is neutral and slightly polar, at codon 2310 of the FAT1 protein (p.Ser2310Cys). The frequency data for this variant in the population databases is considered unreliable, as metrics indicate poor data quality at this position in the gnomAD database. This variant has not been reported in the literature in individuals affected with FAT1-related conditions. Invitae Evidence Modeling of protein sequence and biophysical properties (such as structural, functional, and spatial information, amino acid conservation, physicochemical variation, residue mobility, and thermodynamic stability) indicates that this missense variant is expected to disrupt FAT1 protein function with a positive predictive value of 80%. In summary, the available evidence is currently insufficient to determine the role of this variant in disease. Therefore, it has been classified as a Variant of Uncertain Significance.